The following is an entry in ClinVar:

NM_022369.4(STRA6):c.91G>A (p.Gly31Ser)

Gene: STRA6 (signaling receptor and transporter of retinol STRA6; minus strand). Cytogenetic location: 15q24.1.
Variant type: single nucleotide variant.
Coding change: c.91G>A on transcript NM_022369.4 (MANE Select); coding-DNA position 91, G replaced by A.
Protein change: p.Gly31Ser; replaces glycine 31 with serine.
Molecular consequence: missense variant.
Genome position (GRCh38, 1-based): chr15:74,202,177, C>T on the plus strand (G>A on the coding strand, the complement: STRA6 is on the minus strand). VCF-style: chr15-74202177-C-T. GRCh37 (hg19) VCF-style: chr15-74494518-C-T.
Other names: c.91G>A, p.Gly31Ser (NM_001142617.2, NM_001142618.2, NM_001142619.2 and 1 more transcripts); c.202G>A, p.Gly68Ser (NM_001199040.2); c.136G>A, p.Gly46Ser (NM_001199041.2); c.208G>A, p.Gly70Ser (NM_001199042.2); short protein forms G31S, G70S, G46S, G68S.
Identifiers: ClinVar variation 317118 (VCV000317118.16), dbSNP rs111489755, ClinGen allele CA7655121.
Genomic context (GRCh38, chr15:74,202,177, plus strand): 5'-ATGGCTGACAGAGTGAGGTGGGGTGGTTCCACACTTACCCCTCTGGCTGGAGCTCCTCGC[C>T]CCCCTGGGGCTCATCGATGTACCAGCTGCCATAGGAGTAGTCCTCTGTGGCCCCGGGGGA-3'
Protein context (NP_071764.3, residues 21-41): GSWYIDEPQG[Gly31Ser]EELQPEGEVP

ClinVar aggregate classification (germline): Benign. Review status: criteria provided, multiple submitters, no conflicts (2 of 4 stars). 4 submissions from 4 submitters: Benign (3). 1 of the submissions does not count toward it. Last evaluated 2025-10-03.

Conditions:
STRA6-related disorder. Also called: STRA6-related condition.
Microphthalmia, syndromic 9. Also called: ANOPHTHALMIA, CLINICAL, WITH MILD FACIAL DYSMORPHISM AND VARIABLE MALFORMATIONS OF THE LUNG, HEART, AND DIAPHRAGM; ANOPHTHALMIA/MICROPHTHALMIA AND PULMONARY HYPOPLASIA; Matthew-Wood syndrome; PULMONARY AGENESIS, MICROPHTHALMIA, AND DIAPHRAGMATIC DEFECT; SPEAR SYNDROME. Identifiers: Orphanet 2470, MedGen C1832661, MONDO:0011010, OMIM 601186.

Allele frequency attached by ClinVar (database versions not stated): 1000 Genomes Project 30x 0.00453; 1000 Genomes Project 0.00479; gnomAD 0.00533; ESP Exome Variant Server 0.00554; TOPMed 0.00575.
gnomAD v4.1: 1,737 of 1,505,374 alleles (0.12%); highest among the groups gnomAD compares: African/African-American, 1.8%; 12 homozygotes.

Submissions (4):

Labcorp Genetics (formerly Invitae), Labcorp
Classification: Benign for Microphthalmia, syndromic 9. Last evaluated: 2025-10-03. Review status: criteria provided, single submitter. Criteria: Invitae Variant Classification Sherloc (09022015). Collection method: clinical testing. Allele origin: germline.

Illumina Laboratory Services, Illumina
Classification: Benign for Microphthalmia, syndromic 9. Last evaluated: 2018-01-13. Review status: criteria provided, single submitter. Criteria: ICSL Variant Classification Criteria 13 December 2019. Collection method: clinical testing. Allele origin: germline.
Comment: This variant was observed in the ICSL laboratory as part of a predisposition screen in an ostensibly healthy population. It had not been previously curated by ICSL or reported in the Human Gene Mutation Database (HGMD: prior to June 1st, 2018), and was therefore a candidate for classification through an automated scoring system. Utilizing variant allele frequency, disease prevalence and penetrance estimates, and inheritance mode, an automated score was calculated to assess if this variant is too frequent to cause the disease. Based on the score and internal cut-off values, a variant classified as benign is not then subjected to further curation. The score for this variant resulted in a classification of benign for this disease.

Breakthrough Genomics
Classification: Benign. Review status: criteria provided, single submitter. Criteria: ACMG Guidelines, 2015. Collection method: not provided. Allele origin: germline. Inheritance: Autosomal recessive inheritance. Affected: yes.

PreventionGenetics, part of Exact Sciences
Classification: Benign for STRA6-related condition. Last evaluated: 2024-07-11. Review status: no assertion criteria provided. Collection method: clinical testing. Allele origin: germline. Not counted in ClinVar's aggregate classification.
Comment: This variant is classified as benign based on ACMG/AMP sequence variant interpretation guidelines (Richards et al. 2015 PMID: 25741868, with internal and published modifications).